The following is an entry in ClinVar:

NM_031885.5(BBS2):c.1894C>T (p.Arg632Cys)

Gene: BBS2 (Bardet-Biedl syndrome 2; minus strand). Cytogenetic location: 16q13.
Variant type: single nucleotide variant.
Coding change: c.1894C>T on transcript NM_031885.5 (MANE Select); coding-DNA position 1894, C replaced by T.
Protein change: p.Arg632Cys; replaces arginine 632 with cysteine.
Molecular consequence: missense variant. On other transcripts: non-coding transcript variant (5).
Genome position (GRCh38, 1-based): chr16:56,496,983, G>A on the plus strand (C>T on the coding strand, the complement: BBS2 is on the minus strand). VCF-style: chr16-56496983-G-A. GRCh37 (hg19) VCF-style: chr16-56530895-G-A.
Other names: c.1894C>T, p.Arg632Cys (NM_001377456.1); short protein forms R632C.
Identifiers: ClinVar variation 319852 (VCV000319852.16), dbSNP rs200021475, ClinGen allele CA8065597.
Genomic context (GRCh38, chr16:56,496,983, plus strand): 5'-ACATTTTTAACCCTGCACCTGTACTAACCATGACAAATACTCACATGTCCCTCATCAGAC[G>A]AGCATCCTCAGCTCCGACCAGCAAACTTCGGATCAAATTAGAATGATCAGCCATATCAGC-3'
Protein context (NP_114091.4, residues 622-642): RSLLVGAEDA[Arg632Cys]LMRDMKTMKS

ClinVar aggregate classification (germline): Conflicting classifications of pathogenicity. Review status: criteria provided, conflicting classifications (1 of 4 stars). 9 submissions from 9 submitters: Likely pathogenic (1); Uncertain significance (6). 2 of the submissions do not count toward it. Last evaluated 2026-03-18.

Conditions:
BBS2-related disorder. Also called: BBS2-related disorders; BBS2-related condition. Identifiers: MedGen CN239228.
Bardet-Biedl syndrome 2 (BBS2). Identifiers: Orphanet 110, MedGen C2936863, MONDO:0014432, OMIM 615981.
Bardet-Biedl syndrome (BBS). Identifiers: Orphanet 110, MedGen C0752166, MONDO:0015229.
Retinal dystrophy. Also called: Inherited retinal dystrophy. Identifiers: HP:0000556, Orphanet 71862, MedGen C0854723, MeSH D058499, MONDO:0019118.
Retinitis pigmentosa 74 (RP74). Identifiers: Orphanet 791, MedGen C4225281, MONDO:0014692, OMIM 616562.

Allele frequency attached by ClinVar (database versions not stated): gnomAD 0.00002 and 0.00003; gnomAD exomes 0.00002 and 0.00006; ExAC 0.00003; TOPMed 0.00006; 1000 Genomes Project 30x 0.00016; 1000 Genomes Project 0.00020.
gnomAD v4.1: 33 of 1,613,402 alleles (0.002%); highest among the groups gnomAD compares: East Asian, 0.031%; no homozygotes.

Submissions (9):

PreventionGenetics, part of Exact Sciences
Classification: Uncertain significance for BBS2-related condition. Last evaluated: 2026-03-18. Review status: criteria provided, single submitter. Criteria: ACMG Guidelines, 2015. Collection method: clinical testing. Allele origin: germline.
Comment: The BBS2 c.1894C>T variant is predicted to result in the amino acid substitution p.Arg632Cys. To our knowledge, this variant has not been reported in the literature. This variant is reported in 0.065% of alleles in individuals of East Asian descent in gnomAD. A different nucleotide substitution affecting the same amino acid (p.Arg632Pro) has been reported to be pathogenic in multiple patients with Bardet-Biedl syndrome (described as R634P, Katsanis et al. 2001. PubMed ID: 11567139; Bin et al. 2009. PubMed ID: 19402160). At this time, the clinical significance of this variant is uncertain due to the absence of conclusive functional and genetic evidence.

Dasa
Classification: Uncertain significance. Last evaluated: 2025-08-22. Review status: criteria provided, single submitter. Criteria: DASA Assertion Criteria. Collection method: clinical testing. Allele origin: germline.
Comment: NM_031885.5(BBS2):c.1894C>T (p.Arg632Cys) is a missense variant that results in the substitution of arginine with cysteine. The affected residue or protein region has prior evidence supporting clinical relevance. This variant is rare in population databases. Computational prediction algorithms are consistent with a deleterious effect. The currently available literature and clinical evidence are not sufficient to establish a definitive association between this variant and the reported condition. Therefore, this variant is classified as a variant of uncertain significance.

Blueprint Genetics
Classification: Uncertain significance. Last evaluated: 2024-07-16. Review status: criteria provided, single submitter. Criteria: ACMG Guidelines, 2015. Collection method: clinical testing. Allele origin: germline.

Laboratory of Medical Genetics, National & Kapodistrian University of Athens
Classification: Likely pathogenic for Bardet-Biedl syndrome 2. Last evaluated: 2024-02-01. Review status: criteria provided, single submitter. Criteria: ACMG Guidelines, 2015. Collection method: curation. Allele origin: germline. Affected: no.

Labcorp Genetics (formerly Invitae), Labcorp
Classification: Uncertain significance for Bardet-Biedl syndrome. Last evaluated: 2022-08-22. Review status: criteria provided, single submitter. Criteria: Invitae Variant Classification Sherloc (09022015). Collection method: clinical testing. Allele origin: germline.
Comment: This sequence change replaces arginine, which is basic and polar, with cysteine, which is neutral and slightly polar, at codon 632 of the BBS2 protein (p.Arg632Cys). This variant is present in population databases (rs200021475, gnomAD 0.06%). This variant has not been reported in the literature in individuals affected with BBS2-related conditions. ClinVar contains an entry for this variant (Variation ID: 319852). Algorithms developed to predict the effect of missense changes on protein structure and function (SIFT, PolyPhen-2, Align-GVGD) all suggest that this variant is likely to be disruptive. This variant disrupts the p.Arg632 amino acid residue in BBS2. Other variant(s) that disrupt this residue have been determined to be pathogenic (PMID: 21052717, 22401627, 25133751, 25541840, 28559085). This suggests that this residue is clinically significant, and that variants that disrupt this residue are likely to be disease-causing. In summary, the available evidence is currently insufficient to determine the role of this variant in disease. Therefore, it has been classified as a Variant of Uncertain Significance.

Fulgent Genetics
Classification: Uncertain significance for Bardet-Biedl syndrome 2; Retinitis pigmentosa 74. Last evaluated: 2022-03-22. Review status: criteria provided, single submitter. Criteria: ACMG Guidelines, 2015. Collection method: clinical testing. Allele origin: unknown.

Illumina Laboratory Services, Illumina
Classification: Uncertain significance for Bardet-Biedl syndrome 2. Last evaluated: 2018-01-13. Review status: criteria provided, single submitter. Criteria: ICSL Variant Classification Criteria 13 December 2019. Collection method: clinical testing. Allele origin: germline.

Natera, Inc.
Classification: Uncertain significance for Bardet-Biedl syndrome type 2. Last evaluated: 2019-10-28. Review status: no assertion criteria provided. Collection method: clinical testing. Allele origin: germline. Not counted in ClinVar's aggregate classification.

Institute of Human Genetics, Univ. Regensburg, Univ. Regensburg
Classification: Uncertain significance for Retinal dystrophy. Last evaluated: 2018-01-01. Review status: no assertion criteria provided. Criteria: ACMG Guidelines, 2015. Collection method: clinical testing. Allele origin: germline. Affected: yes. Not counted in ClinVar's aggregate classification.

Literature cited by the submitters: PubMed 21052717 (cited by Labcorp Genetics (formerly Invitae), Labcorp); PubMed 22401627 (cited by Labcorp Genetics (formerly Invitae), Labcorp); PubMed 25133751 (cited by Labcorp Genetics (formerly Invitae), Labcorp); PubMed 25541840 (cited by Labcorp Genetics (formerly Invitae), Labcorp); PubMed 28559085 (cited by Labcorp Genetics (formerly Invitae), Labcorp).